The following is an entry in ClinVar:

ClinVar aggregate classification (germline): Pathogenic (1 of 4 stars; one submission).

Submission:

Labcorp Genetics (formerly Invitae), Labcorp
Classification: Pathogenic. Last evaluated: 2023-12-10. Review status: criteria provided, single submitter. Criteria: Invitae Variant Classification Sherloc (09022015). Collection method: clinical testing. Allele origin: germline.
Comment: This sequence change creates a premature translational stop signal (p.Cys75Leufs*38) in the PCARE gene. It is expected to result in an absent or disrupted protein product. Loss-of-function variants in PCARE are known to be pathogenic (PMID: 20398886, 24339724, 26496393). This variant is not present in population databases (gnomAD no frequency). This variant has not been reported in the literature in individuals affected with PCARE-related conditions. For these reasons, this variant has been classified as Pathogenic.

Literature cited by the submitters: PubMed 20398886; PubMed 24339724; PubMed 26496393.

NM_001029883.3(PCARE):c.223dup (p.Cys75fs)

Gene: PCARE (photoreceptor cilium actin regulator; minus strand). Cytogenetic location: 2p23.2.
Variant type: Duplication.
Coding change: c.223dup on transcript NM_001029883.3 (MANE Select); coding-DNA position 223, one base duplicated (T; older notation c.223dupT).
Protein change: p.Cys75fs; shifts the reading frame from cysteine 75.
Molecular consequence: frameshift variant.
Genome position (GRCh38, 1-based): chr2:29,074,039, A duplicated on the plus strand (T on the coding strand, the reverse complement: PCARE is on the minus strand); the first of 3 consecutive A bases (chr2:29,074,039-29,074,041); duplicating any one gives the same sequence. VCF-style (leftmost placement, unchanged base first): chr2-29074038-C-CA. GRCh37 (hg19) VCF-style: chr2-29296904-C-CA.
Other names: short protein forms C75fs.
Identifiers: ClinVar variation 2702083 (VCV002702083.3), dbSNP rs2465280349, ClinGen allele CA2658451429.